The following is an entry in ClinVar:

NM_003611.3(OFD1):c.121C>T (p.Arg41Ter)

Gene: OFD1 (OFD1 centriole and centriolar satellite protein; plus strand). Cytogenetic location: Xp22.2.
Variant type: single nucleotide variant.
Coding change: c.121C>T on transcript NM_003611.3 (MANE Select); coding-DNA position 121, C replaced by T.
Protein change: p.Arg41Ter; replaces arginine 41 with a stop codon.
Molecular consequence: nonsense. On other transcripts: 5 prime UTR variant (1).
Genome position (GRCh38, 1-based): chrX:13,736,487, C>T. VCF-style: chrX-13736487-C-T. GRCh37 (hg19) VCF-style: chrX-13754606-C-T.
Other names: c.121C>T, p.Arg41Ter (NM_001330209.2); c.-425C>T (NM_001330210.2); short protein forms R41*.
Identifiers: ClinVar variation 41066 (VCV000041066.13), dbSNP rs312262810, ClinGen allele CA343958.

ClinVar aggregate classification (germline): Pathogenic. Review status: criteria provided, multiple submitters, no conflicts (2 of 4 stars). 2 submissions from 2 submitters: Pathogenic (2). Last evaluated 2021-11-27.

Conditions:
Orofaciodigital syndrome I (OFD1). Also called: Papillon-Leage and Psaume Syndrome; Oral-Facial-Digital Syndrome Type I; OFDS I. Identifiers: Orphanet 2750, MedGen C1510460, MONDO:0010702, OMIM 311200.
Joubert syndrome. Also called: CEREBELLOPARENCHYMAL DISORDER IV; JOUBERT-BOLTSHAUSER SYNDROME; Familial aplasia of the vermis. Identifiers: Orphanet 475, MedGen C5979921, MONDO:0018772.
Joubert syndrome 10 (JBTS10). Identifiers: Orphanet 2754, MedGen C2749019, MONDO:0010431, OMIM 300804.
Retinitis pigmentosa 23 (RP23). Identifiers: Orphanet 791, MedGen C1419610, MONDO:0010320, OMIM 300424.
Simpson-Golabi-Behmel syndrome type 2. Identifiers: Orphanet 79022, MedGen C1846175, MONDO:0010265, OMIM 300209.

Submissions (2):

Fulgent Genetics
Classification: Pathogenic for Simpson-Golabi-Behmel syndrome type 2; Retinitis pigmentosa 23; Joubert syndrome 10; Orofaciodigital syndrome I. Last evaluated: 2021-11-27. Review status: criteria provided, single submitter. Criteria: ACMG Guidelines, 2015. Collection method: clinical testing. Allele origin: unknown.

Labcorp Genetics (formerly Invitae), Labcorp
Classification: Pathogenic for Orofaciodigital syndrome I; Joubert syndrome. Last evaluated: 2020-07-24. Review status: criteria provided, single submitter. Criteria: Invitae Variant Classification Sherloc (09022015). Collection method: clinical testing. Allele origin: germline.
Comment: For these reasons, this variant has been classified as Pathogenic. Loss-of-function variants in OFD1 are known to be pathogenic (PMID: 16783569, 18546297, 27081566). This variant has been observed in individual(s) with oral-facial-digital syndrome (PMID: 11179005). ClinVar contains an entry for this variant (Variation ID: 41066). This variant is not present in population databases (ExAC no frequency). This sequence change creates a premature translational stop signal (p.Arg41*) in the OFD1 gene. It is expected to result in an absent or disrupted protein product.

Literature cited by the submitters: PubMed 16783569 (cited by Labcorp Genetics (formerly Invitae), Labcorp); PubMed 18546297 (cited by Labcorp Genetics (formerly Invitae), Labcorp); PubMed 27081566 (cited by Labcorp Genetics (formerly Invitae), Labcorp); PubMed 11179005 (cited by Labcorp Genetics (formerly Invitae), Labcorp).